The following is an entry in ClinVar:

NM_000174.5(GP9):c.255C>A (p.Asn85Lys)

Gene: GP9 (glycoprotein IX platelet; plus strand). Cytogenetic location: 3q21.3.
Variant type: single nucleotide variant.
Coding change: c.255C>A on transcript NM_000174.5 (MANE Select); coding-DNA position 255, C replaced by A.
Protein change: p.Asn85Lys; replaces asparagine 85 with lysine.
Molecular consequence: missense variant.
Genome position (GRCh38, 1-based): chr3:129,061,994, C>A. VCF-style: chr3-129061994-C-A. GRCh37 (hg19) VCF-style: chr3-128780837-C-A.
Other names: NM_000174.5:c.255C>A; short protein forms N85K.
Identifiers: ClinVar variation 4849243 (VCV004849243.1).

ClinVar aggregate classification (germline): Uncertain significance (3 of 4 stars; one submission).

Conditions:
Bernard Soulier syndrome (BSS). Also called: BLEEDING DISORDER, PLATELET-TYPE, 1; PLATELET GLYCOPROTEIN Ib DEFICIENCY; VON WILLEBRAND FACTOR RECEPTOR DEFICIENCY; Platelet Glycoprotein 1b, Deficiency of; Giant platelet syndrome; Hemorrhagiparous thrombocytic dystrophy. Identifiers: Orphanet 274, MedGen C0005129, MeSH D001606, MONDO:0009276, OMIM 231200.

Submission:

ClinGen Platelet Disorders Variant Curation Expert Panel, ClinGen
Classification: Uncertain significance for Bernard Soulier syndrome. Last evaluated: 2026-02-05. Review status: reviewed by expert panel. Criteria: ClinGen Platelet ACMG Specifications GP9 V1.0.0. Collection method: curation. Allele origin: germline. Inheritance: Autosomal recessive inheritance.
Comment: The c.255C>A variant in GP9 is a missense variant predicted to cause substitution of Asparagine by Lysine at amino acid 85 (p.Asn85Lys). At least one patient (Patient 1 in PMID: 29119855) with this variant had aggregation absent for ristocetin (aggregation in response to other agonists is not mentioned) as well as less than 10% expression of GPIba measured by flow cytometry, which is highly specific for Bernard-Soulier syndrome. Additionally, the patient had excessive mucocutaneous bleeding and macrothrombocytopenia which are consistent with Bernard-Soulier syndrome (PP4). The computational predictor REVEL gives a score of 0.762, which is above the ClinGen PD VCEP threshold of >0.644 and predicts a damaging effect on function (PP3). The Grpmax Filtering allele frequency in gnomAD v4.1.0 is 0.00002995 (based on 6/91084 alleles) in the South Asian population, which is lower than the ClinGen PD VCEP threshold (<0.0000329; PM2_Supporting). In summary, this variant meets the criteria to be classified as VUS for autosomal recessive Bernard-Soulier syndrome based on the ACMG/AMP criteria applied, as specified by the ClinGen PD VCEP: PP4, PP3 and PM2_Supporting (VCEP specifications version 1).